The following is an entry in ClinVar:

ClinVar aggregate classification (germline): Uncertain significance (1 of 4 stars; one submission).

Submission:

Labcorp Genetics (formerly Invitae), Labcorp
Classification: Uncertain significance. Last evaluated: 2023-03-24. Review status: criteria provided, single submitter. Criteria: Invitae Variant Classification Sherloc (09022015). Collection method: clinical testing. Allele origin: germline.
Comment: This variant is not present in population databases (gnomAD no frequency). This variant has not been reported in the literature in individuals affected with POLR3F-related conditions. Variants that disrupt the consensus splice site are a relatively common cause of aberrant splicing (PMID: 17576681, 9536098). In summary, the available evidence is currently insufficient to determine the role of this variant in disease. Therefore, it has been classified as a Variant of Uncertain Significance. This sequence change falls in intron 5 of the POLR3F gene. It does not directly change the encoded amino acid sequence of the POLR3F protein. It affects a nucleotide within the consensus splice site.

Literature cited by the submitters: PubMed 17576681; PubMed 9536098.

NM_006466.4(POLR3F):c.429+4A>G

Gene: POLR3F (RNA polymerase III subunit F; plus strand). Cytogenetic location: 20p11.23.
Variant type: single nucleotide variant.
Coding change: c.429+4A>G on transcript NM_006466.4 (MANE Select); 4 bases into the intron after coding-DNA position 429, A replaced by G.
Molecular consequence: intron variant.
Genome position (GRCh38, 1-based): chr20:18,475,191, A>G. VCF-style: chr20-18475191-A-G. GRCh37 (hg19) VCF-style: chr20-18455835-A-G.
Other names: c.306+4A>G (NM_001282526.2); c.429+4A>G (NM_001410821.1).
Identifiers: ClinVar variation 2849191 (VCV002849191.3), dbSNP rs1468853376, ClinGen allele CA2652037313.